The following is an entry in ClinVar:

ClinVar aggregate classification (germline): Likely benign (1 of 4 stars; one submission).

Conditions:
ISL1-related disorder. Also called: ISL1-related condition.

gnomAD v4.1: 10 of 1,614,164 alleles (0.00062%); highest among the groups gnomAD compares: South Asian, 0.0011%; no homozygotes.

Submission:

PreventionGenetics, part of Exact Sciences
Classification: Likely benign for ISL1-related condition. Last evaluated: 2025-10-08. Review status: criteria provided, single submitter. Criteria: ACMG Guidelines, 2015. Collection method: clinical testing. Allele origin: germline.
Comment: This variant is classified as likely benign based on ACMG/AMP sequence variant interpretation guidelines (Richards et al. 2015 PMID: 25741868, with internal and published modifications).

NM_002202.3(ISL1):c.171A>G (p.Thr57=)

Gene: ISL1 (ISL LIM homeobox 1; plus strand). Cytogenetic location: 5q11.1.
Variant type: single nucleotide variant.
Coding change: c.171A>G on transcript NM_002202.3 (MANE Select); coding-DNA position 171, A replaced by G.
Protein change: p.Thr57=; no amino-acid change (threonine 57 retained).
Molecular consequence: synonymous variant.
Genome position (GRCh38, 1-based): chr5:51,384,683, A>G. VCF-style: chr5-51384683-A-G. GRCh37 (hg19) VCF-style: chr5-50680517-A-G.
Identifiers: ClinVar variation 4977071 (VCV004977071.1).
Genomic context (GRCh38, chr5:51,384,683, plus strand): 5'-ATGGCATGCGGCATGTTTGAAATGTGCGGAGTGTAATCAGTATTTGGACGAGAGCTGTAC[A>G]TGCTTTGTTAGGGATGGGAAAACCTACTGTAAAAGAGATTATATCAGGTATGGCATTTAC-3'
Protein context (NP_002193.2, residues 47-67): ECNQYLDESC[Thr57=]CFVRDGKTYC